The following is an entry in ClinVar:

NM_001005498.4(RHBDF2):c.993T>G (p.Phe331Leu)

Gene: RHBDF2 (rhomboid 5 homolog 2; minus strand). Cytogenetic location: 17q25.1.
Variant type: single nucleotide variant.
Coding change: c.993T>G on transcript NM_001005498.4 (MANE Select); coding-DNA position 993, T replaced by G.
Protein change: p.Phe331Leu; replaces phenylalanine 331 with leucine.
Molecular consequence: missense variant. On other transcripts: non-coding transcript variant (3).
Genome position (GRCh38, 1-based): chr17:76,476,952, A>C on the plus strand (T>G on the coding strand, the complement: RHBDF2 is on the minus strand). VCF-style: chr17-76476952-A-C. GRCh37 (hg19) VCF-style: chr17-74473034-A-C.
Other names: c.993T>G, p.Phe331Leu (NM_001376228.1, NM_001376229.1, NM_001376230.1); c.1080T>G, p.Phe360Leu (NM_024599.5); short protein forms F331L, F360L.
Identifiers: ClinVar variation 3702479 (VCV003702479.2).

ClinVar aggregate classification (germline): Uncertain significance (1 of 4 stars; one submission).

gnomAD v4.1: 1 of 1,613,994 alleles (0.000062%); highest among the groups gnomAD compares: East Asian, 0.0022%; no homozygotes.

Submission:

Labcorp Genetics (formerly Invitae), Labcorp
Classification: Uncertain significance. Last evaluated: 2024-06-24. Review status: criteria provided, single submitter. Criteria: Invitae Variant Classification Sherloc (09022015). Collection method: clinical testing. Allele origin: germline.
Comment: This sequence change replaces phenylalanine, which is neutral and non-polar, with leucine, which is neutral and non-polar, at codon 360 of the RHBDF2 protein (p.Phe360Leu). This variant is present in population databases (rs548469800, gnomAD 0.006%). This variant has not been reported in the literature in individuals affected with RHBDF2-related conditions. An algorithm developed to predict the effect of missense changes on protein structure and function (PolyPhen-2) suggests that this variant is likely to be disruptive. In summary, the available evidence is currently insufficient to determine the role of this variant in disease. Therefore, it has been classified as a Variant of Uncertain Significance.